The following is an entry in ClinVar:

ClinVar aggregate classification (germline): Uncertain significance. Review status: criteria provided, multiple submitters, no conflicts (2 of 4 stars). 2 submissions from 2 submitters: Uncertain significance (2). Last evaluated 2024-09-02.

Conditions:
Colorectal cancer, hereditary nonpolyposis, type 7. Identifiers: Orphanet 144, MedGen C1858380, MONDO:0013725, OMIM 614385.

Allele frequency attached by ClinVar (database versions not stated): gnomAD exomes below 0.00001; ExAC 0.00001; TOPMed 0.00001.
gnomAD v4.1: 3 of 1,614,146 alleles (0.00019%); highest among the groups gnomAD compares: African/African-American, 0.0013%; no homozygotes.

Submissions (2):

Ambry Genetics
Classification: Uncertain significance. Last evaluated: 2024-09-02. Review status: criteria provided, single submitter. Criteria: Ambry Variant Classification Scheme 2023. Collection method: clinical testing. Allele origin: germline.
Comment: The p.E322Q variant (also known as c.964G>C), located in coding exon 1 of the MLH3 gene, results from a G to C substitution at nucleotide position 964. The glutamic acid at codon 322 is replaced by glutamine, an amino acid with highly similar properties. This amino acid position is not well conserved in available vertebrate species. In addition, the in silico prediction for this alteration is inconclusive. The evidence for this gene-disease relationship is limited; therefore, the clinical significance of this alteration is unclear.

Labcorp Genetics (formerly Invitae), Labcorp
Classification: Uncertain significance for Colorectal cancer, hereditary nonpolyposis, type 7. Last evaluated: 2023-05-22. Review status: criteria provided, single submitter. Criteria: Invitae Variant Classification Sherloc (09022015). Collection method: clinical testing. Allele origin: germline.
Comment: This sequence change replaces glutamic acid, which is acidic and polar, with glutamine, which is neutral and polar, at codon 322 of the MLH3 protein (p.Glu322Gln). This variant is present in population databases (rs767618727, gnomAD 0.0009%). This variant has not been reported in the literature in individuals affected with MLH3-related conditions. ClinVar contains an entry for this variant (Variation ID: 1767676). An algorithm developed to predict the effect of missense changes on protein structure and function (PolyPhen-2) suggests that this variant is likely to be disruptive. In summary, the available evidence is currently insufficient to determine the role of this variant in disease. Therefore, it has been classified as a Variant of Uncertain Significance.

NM_001040108.2(MLH3):c.964G>C (p.Glu322Gln)

Gene: MLH3 (mutL homolog 3; minus strand). Cytogenetic location: 14q24.3.
Variant type: single nucleotide variant.
Coding change: c.964G>C on transcript NM_001040108.2 (MANE Select); coding-DNA position 964, G replaced by C.
Protein change: p.Glu322Gln; replaces glutamic acid 322 with glutamine.
Molecular consequence: missense variant.
Genome position (GRCh38, 1-based): chr14:75,048,692, C>G on the plus strand (G>C on the coding strand, the complement: MLH3 is on the minus strand). VCF-style: chr14-75048692-C-G. GRCh37 (hg19) VCF-style: chr14-75515395-C-G.
Other names: c.964G>C, p.Glu322Gln (NM_014381.3); short protein forms E322Q.
Identifiers: ClinVar variation 1767676 (VCV001767676.6), dbSNP rs767618727, ClinGen allele CA7275938.
Genomic context (GRCh38, chr14:75,048,692, plus strand): 5'-CCTGAATGCAAAACAAGAGAGTGTCCCAGTTCTGAAATTCAATCAGAGTTTTGGCTGGCT[C>G]CATGCACACATCATACTCACAGAATTGGCACTGCACATTAATTACATATATGCCATAGAG-3'
Protein context (NP_001035197.1, residues 312-332): CQFCEYDVCM[Glu322Gln]PAKTLIEFQN